The following is an entry in ClinVar:

ClinVar aggregate classification (germline): Conflicting classifications of pathogenicity. Review status: criteria provided, conflicting classifications (1 of 4 stars). 3 submissions from 3 submitters: Uncertain significance (1); Likely benign (1). 1 of the submissions does not count toward it. Last evaluated 2025-07-21.

Conditions:
Meckel-Gruber syndrome. Also called: DYSENCEPHALIA SPLANCHNOCYSTICA; GRUBER SYNDROME; Dysencephalia splachnocystica. Identifiers: Orphanet 564, MedGen C0265215, MONDO:0018921.
Joubert syndrome. Also called: Familial aplasia of the vermis; JOUBERT-BOLTSHAUSER SYNDROME. Identifiers: Orphanet 475, MedGen C5979921, MONDO:0018772.
MKS1-related disorder. Also called: MKS1-related condition; MKS1-related disorders. Identifiers: MedGen CN239382.

Allele frequency attached by ClinVar (database versions not stated): gnomAD exomes 0.00002 and 0.00004; ExAC 0.00005; gnomAD 0.00011; TOPMed 0.00019; 1000 Genomes Project 0.00020; ESP Exome Variant Server 0.00025; 1000 Genomes Project 30x 0.00047.
gnomAD v4.1: 46 of 1,613,012 alleles (0.0029%); highest among the groups gnomAD compares: African/African-American, 0.057%; no homozygotes.

Submissions (3):

Labcorp Genetics (formerly Invitae), Labcorp
Classification: Likely benign for Joubert syndrome; Meckel-Gruber syndrome. Last evaluated: 2025-07-21. Review status: criteria provided, single submitter. Criteria: Invitae Variant Classification Sherloc (09022015). Collection method: clinical testing. Allele origin: germline.

Eurofins Ntd Llc (ga)
Classification: Uncertain significance. Last evaluated: 2017-03-28. Review status: criteria provided, single submitter. Criteria: EGL Classification Definitions 2015. Collection method: clinical testing. Allele origin: germline. Observed: 1 variant allele, 1 heterozygote.

PreventionGenetics, part of Exact Sciences
Classification: Uncertain significance for MKS1-related condition. Last evaluated: 2024-05-28. Review status: no assertion criteria provided. Collection method: clinical testing. Allele origin: germline. Not counted in ClinVar's aggregate classification.
Comment: The MKS1 c.1570G>C variant is predicted to result in the amino acid substitution p.Glu524Gln. To our knowledge, this variant has not been reported in the literature. This variant is reported in 0.046% of alleles in individuals of African descent in gnomAD. At this time, the clinical significance of this variant is uncertain due to the absence of conclusive functional and genetic evidence.

NM_017777.4(MKS1):c.1653G>C (p.Val551=)

Gene: MKS1 (MKS transition zone complex subunit 1; minus strand). Cytogenetic location: 17q22.
Variant type: single nucleotide variant.
Coding change: c.1653G>C on transcript NM_017777.4 (MANE Select); coding-DNA position 1653, G replaced by C.
Protein change: p.Val551=; no amino-acid change (valine 551 retained).
Molecular consequence: synonymous variant. On other transcripts: missense variant (1), 3 prime UTR variant (1).
Genome position (GRCh38, 1-based): chr17:58,206,106, C>G on the plus strand (G>C on the coding strand, the complement: MKS1 is on the minus strand). VCF-style: chr17-58206106-C-G. GRCh37 (hg19) VCF-style: chr17-56283467-C-G.
Other names: c.1570G>C (NM_001321269.1); c.1044G>C, p.Val348= (NM_001321268.2); c.1570G>C, p.Glu524Gln (NM_001321269.2); c.*65G>C (NM_001330397.2); short protein forms E524Q.
Identifiers: ClinVar variation 501079 (VCV000501079.16), dbSNP rs34092089, ClinGen allele CA8669050.
Genomic context (GRCh38, chr17:58,206,106, plus strand): 5'-TCCTCTTGCACTGTGGGCCAGGGCTGCTGTGAGCTAGGAGACCAGGGTTCCAGAGGGGCT[C>G]ACTAGGTCCTGCGGGAGGCTTTCCCGGGCCTCCTGCATGCGGCGCCGGGCTCGACGGAAG-3'
Protein context (NP_060247.2, residues 541-559): EARESLPQDL[Val551=]SPSGTLVS